The following is an entry in ClinVar:

NM_006910.5(RBBP6):c.480G>A (p.Thr160=)

Gene: RBBP6 (RB binding protein 6, ubiquitin ligase; plus strand). Cytogenetic location: 16p12.1.
Variant type: single nucleotide variant.
Coding change: c.480G>A on transcript NM_006910.5 (MANE Select); coding-DNA position 480, G replaced by A.
Protein change: p.Thr160=; no amino-acid change (threonine 160 retained).
Molecular consequence: synonymous variant.
Genome position (GRCh38, 1-based): chr16:24,555,863, G>A. VCF-style: chr16-24555863-G-A. GRCh37 (hg19) VCF-style: chr16-24567184-G-A.
Other names: c.480G>A, p.Thr160= (NM_018703.4).
Identifiers: ClinVar variation 4821706 (VCV004821706.4).

ClinVar aggregate classification (germline): Likely benign (1 of 4 stars; one submission).

gnomAD v4.1: 1,476 of 1,611,612 alleles (0.092%); highest among the groups gnomAD compares: Non-Finnish European, 0.11%; 3 homozygotes.

Submission:

CeGaT Center for Human Genetics Tuebingen
Classification: Likely benign. Last evaluated: 2026-02-01. Review status: criteria provided, single submitter. Criteria: CeGaT Center For Human Genetics Tuebingen Variant Classification Criteria Version 2. Collection method: clinical testing. Allele origin: germline. Affected: yes. Observed: 1 variant allele.
Comment: RBBP6: BP4, BP7